The following is an entry in ClinVar:

NM_002439.5(MSH3):c.2282T>C (p.Val761Ala)

Gene: MSH3 (mutS homolog 3; plus strand). Cytogenetic location: 5q14.1.
Variant type: single nucleotide variant.
Coding change: c.2282T>C on transcript NM_002439.5 (MANE Select); coding-DNA position 2282, T replaced by C.
Protein change: p.Val761Ala; replaces valine 761 with alanine.
Molecular consequence: missense variant.
Genome position (GRCh38, 1-based): chr5:80,775,722, T>C. VCF-style: chr5-80775722-T-C. GRCh37 (hg19) VCF-style: chr5-80071541-T-C.
Other names: short protein forms V761A.
Identifiers: ClinVar variation 3296253 (VCV003296253.1).

ClinVar aggregate classification (germline): Uncertain significance (1 of 4 stars; one submission).

Conditions:
Hereditary cancer-predisposing syndrome. Also called: Tumor predisposition; Hereditary Cancer Syndrome; Hereditary neoplastic syndrome; Neoplastic Syndromes, Hereditary. Identifiers: Orphanet 140162, MedGen C0027672, MeSH D009386, MONDO:0015356.

gnomAD v4.1: 1 of 1,587,766 alleles (0.000063%); highest among the groups gnomAD compares: Non-Finnish European, 0.000086%; no homozygotes.

Submission:

Ambry Genetics
Classification: Uncertain significance for Hereditary cancer-predisposing syndrome. Last evaluated: 2024-06-06. Review status: criteria provided, single submitter. Criteria: Ambry Variant Classification Scheme 2023. Collection method: clinical testing. Allele origin: germline.
Comment: The p.V761A variant (also known as c.2282T>C), located in coding exon 16 of the MSH3 gene, results from a T to C substitution at nucleotide position 2282. The valine at codon 761 is replaced by alanine, an amino acid with similar properties. This amino acid position is conserved. In addition, this alteration is predicted to be tolerated by in silico analysis. Based on the available evidence, the clinical significance of this variant remains unclear.